The following is an entry in ClinVar:

ClinVar aggregate classification (germline): Likely benign (1 of 4 stars; one submission).

Allele frequency attached by ClinVar (database versions not stated): ESP Exome Variant Server 0.00085; TOPMed 0.00104; gnomAD 0.00165; 1000 Genomes Project 0.00060; 1000 Genomes Project 30x 0.00062.
gnomAD v4.1: 2,321 of 1,614,012 alleles (0.14%); highest among the groups gnomAD compares: Admixed American, 0.24%; 4 homozygotes.

Submission:

CeGaT Center for Human Genetics Tuebingen
Classification: Likely benign. Last evaluated: 2022-03-01. Review status: criteria provided, single submitter. Criteria: CeGaT Center For Human Genetics Tuebingen Variant Classification Criteria Version 2. Collection method: clinical testing. Allele origin: germline. Affected: yes. Observed: 1 variant allele.
Comment: CDHR2: BP4, BP7

NM_017675.6(CDHR2):c.2385C>T (p.Cys795=)

Gene: CDHR2 (cadherin related family member 2; plus strand). Cytogenetic location: 5q35.2.
Variant type: single nucleotide variant.
Coding change: c.2385C>T on transcript NM_017675.6 (MANE Select); coding-DNA position 2385, C replaced by T.
Protein change: p.Cys795=; no amino-acid change (cysteine 795 retained).
Molecular consequence: synonymous variant.
Genome position (GRCh38, 1-based): chr5:176,584,666, C>T. VCF-style: chr5-176584666-C-T. GRCh37 (hg19) VCF-style: chr5-176011667-C-T.
Other names: c.2385C>T, p.Cys795= (NM_001171976.2).
Identifiers: ClinVar variation 2656092 (VCV002656092.24), dbSNP rs151175858, ClinGen allele CA3570909.